The following is an entry in ClinVar:

ClinVar aggregate classification (germline): Likely benign. Review status: criteria provided, single submitter (1 of 4 stars). 2 submissions from 2 submitters: Likely benign (1). 1 of the submissions does not count toward it. Last evaluated 2026-01-05.

Conditions:
SON-related disorder. Also called: SON-related condition.

Allele frequency attached by ClinVar (database versions not stated): gnomAD exomes 0.00024; ExAC 0.00033; 1000 Genomes Project 30x 0.00078; 1000 Genomes Project 0.00080; gnomAD 0.00080 and 0.00087; TOPMed 0.00096; ESP Exome Variant Server 0.00138.
gnomAD v4.1: 276 of 1,614,116 alleles (0.017%); highest among the groups gnomAD compares: African/African-American, 0.31%; no homozygotes.

Submissions (2):

Labcorp Genetics (formerly Invitae), Labcorp
Classification: Likely benign. Last evaluated: 2026-01-05. Review status: criteria provided, single submitter. Criteria: Invitae Variant Classification Sherloc (09022015). Collection method: clinical testing. Allele origin: germline.

PreventionGenetics, part of Exact Sciences
Classification: Likely benign for SON-related condition. Last evaluated: 2022-10-24. Review status: no assertion criteria provided. Collection method: clinical testing. Allele origin: germline. Not counted in ClinVar's aggregate classification.
Comment: This variant is classified as likely benign based on ACMG/AMP sequence variant interpretation guidelines (Richards et al. 2015 PMID: 25741868, with internal and published modifications).

NM_138927.4(SON):c.4205A>G (p.Tyr1402Cys)

Gene: SON (SON DNA and RNA binding protein; plus strand). Cytogenetic location: 21q22.11.
Variant type: single nucleotide variant.
Coding change: c.4205A>G on transcript NM_138927.4 (MANE Select); coding-DNA position 4205, A replaced by G.
Protein change: p.Tyr1402Cys; replaces tyrosine 1402 with cysteine.
Molecular consequence: missense variant. On other transcripts: non-coding transcript variant (1), intron variant (1).
Genome position (GRCh38, 1-based): chr21:33,553,436, A>G. VCF-style: chr21-33553436-A-G. GRCh37 (hg19) VCF-style: chr21-34925742-A-G.
Other names: c.4205A>G, p.Tyr1402Cys (NM_001291411.2, NM_032195.3); c.245-3720A>G (NM_001291412.3); c.4205A>G (NM_138927.2); short protein forms Y1402C.
Identifiers: ClinVar variation 1597903 (VCV001597903.10), dbSNP rs140950391, ClinGen allele CA10009479.